The following is an entry in ClinVar:

NM_003922.4(HERC1):c.2742A>G (p.Leu914=)

Gene: HERC1 (HECT and RLD domain containing E3 ubiquitin protein ligase family member 1; minus strand). Cytogenetic location: 15q22.31.
Variant type: single nucleotide variant.
Coding change: c.2742A>G on transcript NM_003922.4 (MANE Select); coding-DNA position 2742, A replaced by G.
Protein change: p.Leu914=; no amino-acid change (leucine 914 retained).
Molecular consequence: synonymous variant.
Genome position (GRCh38, 1-based): chr15:63,733,050, T>C on the plus strand (A>G on the coding strand, the complement: HERC1 is on the minus strand). VCF-style: chr15-63733050-T-C. GRCh37 (hg19) VCF-style: chr15-64025249-T-C.
Identifiers: ClinVar variation 2645440 (VCV002645440.27), dbSNP rs369604966, ClinGen allele CA7606211.

ClinVar aggregate classification (germline): Likely benign. Review status: criteria provided, multiple submitters, no conflicts (2 of 4 stars). 2 submissions from 2 submitters: Likely benign (2). Last evaluated 2023-08-04.

Allele frequency attached by ClinVar (database versions not stated): ExAC 0.00004; gnomAD 0.00010; gnomAD exomes 0.00010; TOPMed 0.00010; ESP Exome Variant Server 0.00016.
gnomAD v4.1: 163 of 1,613,708 alleles (0.01%); highest among the groups gnomAD compares: Non-Finnish European, 0.013%; no homozygotes.

Submissions (2):

Labcorp Genetics (formerly Invitae), Labcorp
Classification: Likely benign. Last evaluated: 2023-08-04. Review status: criteria provided, single submitter. Criteria: Invitae Variant Classification Sherloc (09022015). Collection method: clinical testing. Allele origin: germline.

CeGaT Center for Human Genetics Tuebingen
Classification: Likely benign. Last evaluated: 2022-07-01. Review status: criteria provided, single submitter. Criteria: CeGaT Center For Human Genetics Tuebingen Variant Classification Criteria Version 2. Collection method: clinical testing. Allele origin: germline. Affected: yes. Observed: 1 variant allele.
Comment: HERC1: BP4, BP7